The following is an entry in ClinVar:

ClinVar aggregate classification (germline): Benign. Review status: criteria provided, single submitter (1 of 4 stars). 3 submissions from 2 submitters: Benign (1). 2 of the submissions do not count toward it. Last evaluated 2024-07-12.

Conditions:
CDKL5 disorder. Identifiers: MedGen CN296942, MONDO:0100039.

Allele frequency attached by ClinVar (database versions not stated): gnomAD exomes 0.00018 and 0.00040; ExAC 0.00023; TOPMed 0.00024; gnomAD 0.00026; ESP Exome Variant Server 0.00028.
gnomAD v4.1: 409 of 1,044,977 alleles (0.039%); highest among the groups gnomAD compares: Middle Eastern, 0.052%; 1 homozygote.

Submissions (3):

Centre for Population Genomics, CPG
Classification: Benign for CDKL5 disorder. Last evaluated: 2024-07-12. Review status: criteria provided, single submitter. Criteria: McKnight et al. (Hum Mutat. 2022). Collection method: curation. Allele origin: germline. Inheritance: X-linked inheritance.
Comment: This variant has been collected from RettBASE and curated to current modified ACMG/AMP criteria. Based on the classification scheme defined by the ClinGen Rett/Angelman-like Expert Panel for Rett/AS-like Disorders Specifications to the ACMG/AMP Variant Interpretation Guidelines VCEP 3.0, this variant is classified as benign. At least the following criteria are met: The allele frequency of this variant in at least one population in gnomAD v4 is higher than the 0.03% threshold defined by the ClinGen Rett/Angelman-like Expert Panel for Rett/AS-like Disorders VCEP 3.0 (BA1).

RettBASE
Classification: Benign. Last evaluated: 2014-05-09. Review status: no assertion criteria provided. Collection method: curation. Allele origin: unknown, maternal. Observed: 3 variant alleles. Not counted in ClinVar's aggregate classification.
Comment: Reported in multiple unaffected family members

RettBASE
No classification provided. Review status: flagged submission. Collection method: not provided. Allele origin: not provided. Not counted in ClinVar's aggregate classification.
ClinVar note: Reason: This record appears to be redundant with a more recent record from the same submitter.
ClinVar note: Notes: SCV000189213 appears to be redundant with SCV000222270.

Literature cited by the submitters: PubMed 16015284 (cited by RettBASE); PubMed 20397747 (cited by RettBASE).

NM_001323289.2(CDKL5):c.463+22T>C

Gene: CDKL5 (cyclin dependent kinase like 5; plus strand). Cytogenetic location: Xp22.13.
Variant type: single nucleotide variant.
Coding change: c.463+22T>C on transcript NM_001323289.2 (MANE Select); 22 bases into the intron after coding-DNA position 463, T replaced by C.
Molecular consequence: intron variant.
Genome position (GRCh38, 1-based): chrX:18,581,972, T>C. VCF-style: chrX-18581972-T-C. GRCh37 (hg19) VCF-style: chrX-18600092-T-C.
Other names: c.463+22T>C (NM_003159.3, NM_001037343.2).
Identifiers: ClinVar variation 156089 (VCV000156089.4), dbSNP rs267608478, ClinGen allele CA199350.